The following is an entry in ClinVar:

ClinVar aggregate classification (germline): Uncertain significance (1 of 4 stars; one submission).

Conditions:
Ehlers-Danlos syndrome, classic type, 1 (EDSCL1). Also called: EHLERS-DANLOS SYNDROME, GRAVIS TYPE; EHLERS-DANLOS SYNDROME, SEVERE CLASSIC TYPE; Ehlers-Danlos Syndrome, Classic Type, COL5A1-Related; EDS I; Ehlers-Danlos syndrome, type 1. Identifiers: MedGen C0268335, MONDO:0019567, OMIM 130000.

Allele frequency attached by ClinVar (database versions not stated): gnomAD exomes 0.00001; ESP Exome Variant Server 0.00008; TOPMed below 0.00001; ExAC 0.00002.
gnomAD v4.1: 4 of 1,613,938 alleles (0.00025%); highest among the groups gnomAD compares: Non-Finnish European, 0.00034%; no homozygotes.

Submission:

Labcorp Genetics (formerly Invitae), Labcorp
Classification: Uncertain significance for Ehlers-Danlos syndrome, classic type, 1. Last evaluated: 2025-08-18. Review status: criteria provided, single submitter. Criteria: Invitae Variant Classification Sherloc (09022015). Collection method: clinical testing. Allele origin: germline.
Comment: This sequence change replaces glutamic acid, which is acidic and polar, with glycine, which is neutral and non-polar, at codon 1436 of the COL5A2 protein (p.Glu1436Gly). This variant is present in population databases (rs371259794, gnomAD 0.003%). This variant has not been reported in the literature in individuals affected with COL5A2-related conditions. ClinVar contains an entry for this variant (Variation ID: 408285). Invitae Evidence Modeling of protein sequence and biophysical properties (such as structural, functional, and spatial information, amino acid conservation, physicochemical variation, residue mobility, and thermodynamic stability) indicates that this missense variant is not expected to disrupt COL5A2 protein function with a negative predictive value of 80%. In summary, the available evidence is currently insufficient to determine the role of this variant in disease. Therefore, it has been classified as a Variant of Uncertain Significance.

NM_000393.5(COL5A2):c.4307A>G (p.Glu1436Gly)

Gene: COL5A2 (collagen type V alpha 2 chain; minus strand). Cytogenetic location: 2q32.2.
Variant type: single nucleotide variant.
Coding change: c.4307A>G on transcript NM_000393.5 (MANE Select); coding-DNA position 4307, A replaced by G.
Protein change: p.Glu1436Gly; replaces glutamic acid 1436 with glycine.
Molecular consequence: missense variant.
Genome position (GRCh38, 1-based): chr2:189,034,962, T>C on the plus strand (A>G on the coding strand, the complement: COL5A2 is on the minus strand). VCF-style: chr2-189034962-T-C. GRCh37 (hg19) VCF-style: chr2-189899688-T-C.
Other names: short protein forms E1436G.
Identifiers: ClinVar variation 408285 (VCV000408285.10), dbSNP rs371259794, ClinGen allele CA2021822.